The following is an entry in ClinVar:

NM_000138.5(FBN1):c.5863CAGTGC[1] (p.1955QC[1])

Gene: FBN1 (fibrillin 1; minus strand). Cytogenetic location: 15q21.1.
Variant type: Microsatellite.
Coding change: c.5863CAGTGC[1] on transcript NM_000138.5 (MANE Select); one copy of the 6-base unit CAGTGC starting at c.5863; the reference has two copies in a row; one copy, 6 bases deleted.
Protein change: p.1955QC[1].
Molecular consequence: inframe deletion. On other transcripts: inframe indel (1).
Genome position (GRCh38, 1-based): chr15:48,445,419-48,445,424, GCACTG deleted on the plus strand (CAGTGC on the coding strand, the reverse complement: FBN1 is on the minus strand); deleting any 6 consecutive bases within chr15:48,445,419-48,445,431 gives the same sequence; the position shown is the placement nearest the transcript's 3' end. VCF-style (leftmost placement, unchanged base first): chr15-48445418-TGCACTG-T. GRCh37 (hg19) VCF-style: chr15-48737615-TGCACTG-T.
Other names: c.5862_5867CCAGTG[1], p.Gln1957_Cys1958del (NM_001406716.1).
Identifiers: ClinVar variation 2091078 (VCV002091078.4), dbSNP rs2505455308, ClinGen allele CA2580612800.

ClinVar aggregate classification (germline): Likely pathogenic (1 of 4 stars; one submission).

Conditions:
Familial thoracic aortic aneurysm and aortic dissection (TAAD). Also called: Thoracic aortic aneurysms and dissections. Identifiers: Orphanet 91387, MedGen C4707243, MONDO:0019625.
Marfan syndrome (MFS). Also called: MARFAN SYNDROME, TYPE I; Marfan syndrome type 1; Marfan's syndrome; Marfan syndrome, classic; FBN1-Related Marfan Syndrome. Identifiers: Orphanet 284963, Orphanet 558, MedGen C0024796, MONDO:0007947, OMIM 154700.

Submission:

Labcorp Genetics (formerly Invitae), Labcorp
Classification: Likely pathogenic for Marfan syndrome; Familial thoracic aortic aneurysm and aortic dissection. Last evaluated: 2022-01-29. Review status: criteria provided, single submitter. Criteria: Invitae Variant Classification Sherloc (09022015). Collection method: clinical testing. Allele origin: germline.
Comment: In summary, the currently available evidence indicates that the variant is pathogenic, but additional data are needed to prove that conclusively. Therefore, this variant has been classified as Likely Pathogenic. This variant affects a cysteine residue in the EGF-like, TGFBP or hybrid motif domains of FBN1. Cysteine residues are believed to be involved in intramolecular disulfide bridges and have been shown to be important for FBN1 protein structure (PMID: 16905551, 19349279). In addition, missense substitutions affecting cysteine residues within these domains are significantly overrepresented among patients with Marfan syndrome (PMID: 16571647, 17701892). Experimental studies and prediction algorithms are not available or were not evaluated, and the functional significance of this variant is currently unknown. This variant has not been reported in the literature in individuals affected with FBN1-related conditions. This variant is not present in population databases (gnomAD no frequency). This variant, c.5869_5874del, results in the deletion of 2 amino acid(s) of the FBN1 protein (p.Gln1957_Cys1958del), but otherwise preserves the integrity of the reading frame.

Literature cited by the submitters: PubMed 16905551; PubMed 19349279; PubMed 16571647; PubMed 17701892.